The following is an entry in ClinVar:

NM_203447.4(DOCK8):c.2110-91T>C

Gene: DOCK8 (dedicator of cytokinesis 8; plus strand). Cytogenetic location: 9p24.3.
Variant type: single nucleotide variant.
Coding change: c.2110-91T>C on transcript NM_203447.4 (MANE Select); 91 bases into the intron before coding-DNA position 2110, T replaced by C.
Molecular consequence: intron variant.
Genome position (GRCh38, 1-based): chr9:376,119, T>C. VCF-style: chr9-376119-T-C. GRCh37 (hg19) VCF-style: chr9-376119-T-C.
Other names: c.1906-91T>C (NM_001193536.2, NM_001190458.2).
Identifiers: ClinVar variation 675141 (VCV000675141.2), dbSNP rs78275330, ClinGen allele CA187813301.

ClinVar aggregate classification (germline): Benign. Review status: criteria provided, multiple submitters, no conflicts (2 of 4 stars). 2 submissions from 2 submitters: Benign (2). Last evaluated 2018-06-19.

Allele frequency attached by ClinVar (database versions not stated): gnomAD exomes 0.00325; gnomAD 0.02633 and 0.02818; 1000 Genomes Project 0.02855; 1000 Genomes Project 30x 0.02983; TOPMed 0.03116.
gnomAD v4.1: 6,566 of 910,064 alleles (0.72%); highest among the groups gnomAD compares: African/African-American, 9.2%; 285 homozygotes.

Submissions (2):

GeneDx
Classification: Benign. Last evaluated: 2018-06-19. Review status: criteria provided, single submitter. Criteria: GeneDx Variant Classification (06012015). Collection method: clinical testing. Allele origin: germline. Affected: yes.
Comment: This variant is considered likely benign or benign based on one or more of the following criteria: it is a conservative change, it occurs at a poorly conserved position in the protein, it is predicted to be benign by multiple in silico algorithms, and/or has population frequency not consistent with disease.

Breakthrough Genomics
Classification: Benign. Review status: criteria provided, single submitter. Criteria: ACMG Guidelines, 2015. Collection method: not provided. Allele origin: germline. Inheritance: Autosomal recessive inheritance. Affected: yes.